The following is an entry in ClinVar:

NM_000180.4(GUCY2D):c.2830C>G (p.Arg944Gly)

Gene: GUCY2D (guanylate cyclase 2D, retinal; plus strand). Cytogenetic location: 17p13.1.
Variant type: single nucleotide variant.
Coding change: c.2830C>G on transcript NM_000180.4 (MANE Select); coding-DNA position 2830, C replaced by G.
Protein change: p.Arg944Gly; replaces arginine 944 with glycine.
Molecular consequence: missense variant.
Genome position (GRCh38, 1-based): chr17:8,015,388, C>G. VCF-style: chr17-8015388-C-G. GRCh37 (hg19) VCF-style: chr17-7918706-C-G.
Other names: short protein forms R944G.
Identifiers: ClinVar variation 857793 (VCV000857793.10), dbSNP rs756575304, ClinGen allele CA8366238.

ClinVar aggregate classification (germline): Uncertain significance. Review status: criteria provided, multiple submitters, no conflicts (2 of 4 stars). 3 submissions from 3 submitters: Uncertain significance (3). Last evaluated 2026-02-27.

Conditions:
Inborn genetic diseases. Identifiers: MedGen C0950123, MeSH D030342.
Cone-rod dystrophy 6 (CORD6). Also called: RETINAL CONE DYSTROPHY 2; Cone dystrophy progressive. Identifiers: Orphanet 1872, MedGen C1866293, MONDO:0011143, OMIM 601777.
Leber congenital amaurosis 1 (LCA1). Also called: Congenital absence of the rods and cones; Leber's congenital tapetoretinal degeneration; Leber's congenital tapetoretinal dysplasia; RETINAL BLINDNESS, CONGENITAL; AMAUROSIS CONGENITA OF LEBER I. Identifiers: Orphanet 65, MedGen C2931258, MONDO:0008764, OMIM 204000.

Allele frequency attached by ClinVar (database versions not stated): TOPMed 0.00003.
gnomAD v4.1: 80 of 1,612,688 alleles (0.005%); highest among the groups gnomAD compares: Non-Finnish European, 0.0064%; no homozygotes.

Submissions (3):

Ambry Genetics
Classification: Uncertain significance for Inborn genetic diseases. Last evaluated: 2026-02-27. Review status: criteria provided, single submitter. Criteria: Ambry Variant Classification Scheme 2023. Collection method: clinical testing. Allele origin: germline.

Labcorp Genetics (formerly Invitae), Labcorp
Classification: Uncertain significance for Leber congenital amaurosis 1; Cone-rod dystrophy 6. Last evaluated: 2025-07-09. Review status: criteria provided, single submitter. Criteria: Invitae Variant Classification Sherloc (09022015). Collection method: clinical testing. Allele origin: germline.
Comment: This sequence change replaces arginine, which is basic and polar, with glycine, which is neutral and non-polar, at codon 944 of the GUCY2D protein (p.Arg944Gly). This variant is present in population databases (rs756575304, gnomAD 0.0009%). This variant has not been reported in the literature in individuals affected with GUCY2D-related conditions. ClinVar contains an entry for this variant (Variation ID: 857793). Invitae Evidence Modeling of protein sequence and biophysical properties (such as structural, functional, and spatial information, amino acid conservation, physicochemical variation, residue mobility, and thermodynamic stability) has been performed for this missense variant. However, the output from this modeling did not meet the statistical confidence thresholds required to predict the impact of this variant on GUCY2D protein function. In summary, the available evidence is currently insufficient to determine the role of this variant in disease. Therefore, it has been classified as a Variant of Uncertain Significance.

Blueprint Genetics
Classification: Uncertain significance. Last evaluated: 2024-01-22. Review status: criteria provided, single submitter. Criteria: ACMG Guidelines, 2015. Collection method: clinical testing. Allele origin: germline.